The following is an entry in ClinVar:

NM_000553.6(WRN):c.2296C>G (p.Pro766Ala)

Gene: WRN (WRN RecQ like helicase; plus strand). Cytogenetic location: 8p12.
Variant type: single nucleotide variant.
Coding change: c.2296C>G on transcript NM_000553.6 (MANE Select); coding-DNA position 2296, C replaced by G.
Protein change: p.Pro766Ala; replaces proline 766 with alanine.
Molecular consequence: missense variant.
Genome position (GRCh38, 1-based): chr8:31,116,376, C>G. VCF-style: chr8-31116376-C-G. GRCh37 (hg19) VCF-style: chr8-30973892-C-G.
Other names: short protein forms P766A.
Identifiers: ClinVar variation 852921 (VCV000852921.7), dbSNP rs781541304, ClinGen allele CA4704711.

ClinVar aggregate classification (germline): Uncertain significance. Review status: criteria provided, multiple submitters, no conflicts (2 of 4 stars). 2 submissions from 2 submitters: Uncertain significance (2). Last evaluated 2022-09-03.

Conditions:
Werner syndrome (WRN). Identifiers: Orphanet 902, MedGen C0043119, MONDO:0010196, OMIM 277700.

Allele frequency attached by ClinVar (database versions not stated): gnomAD exomes below 0.00001 and 0.00001; TOPMed below 0.00001; ExAC 0.00001; gnomAD 0.00001.
gnomAD v4.1: 8 of 1,613,760 alleles (0.0005%); highest among the groups gnomAD compares: African/African-American, 0.0013%; no homozygotes.

Submissions (2):

Labcorp Genetics (formerly Invitae), Labcorp
Classification: Uncertain significance for Werner syndrome. Last evaluated: 2022-09-03. Review status: criteria provided, single submitter. Criteria: Invitae Variant Classification Sherloc (09022015). Collection method: clinical testing. Allele origin: germline.
Comment: In summary, the available evidence is currently insufficient to determine the role of this variant in disease. Therefore, it has been classified as a Variant of Uncertain Significance. Algorithms developed to predict the effect of missense changes on protein structure and function are either unavailable or do not agree on the potential impact of this missense change (SIFT: "Not Available"; PolyPhen-2: "Possibly Damaging"; Align-GVGD: "Not Available"). ClinVar contains an entry for this variant (Variation ID: 852921). This variant has not been reported in the literature in individuals affected with WRN-related conditions. This variant is present in population databases (rs781541304, gnomAD 0.007%). This sequence change replaces proline, which is neutral and non-polar, with alanine, which is neutral and non-polar, at codon 766 of the WRN protein (p.Pro766Ala).

Baylor Genetics
Classification: Uncertain significance for Werner syndrome. Last evaluated: 2020-08-07. Review status: criteria provided, single submitter. Criteria: ACMG Guidelines, 2015. Collection method: clinical testing. Allele origin: unknown. Affected: yes. Study: CSER-TexasKidsCanSeq.
Comment: This variant was determined to be of uncertain significance according to ACMG Guidelines, 2015 [PMID:25741868].